The following is an entry in ClinVar:

NM_006739.4(MCM5):c.335G>A (p.Arg112Gln)

Gene: MCM5 (minichromosome maintenance complex component 5; plus strand). Cytogenetic location: 22q12.3.
Variant type: single nucleotide variant.
Coding change: c.335G>A on transcript NM_006739.4 (MANE Select); coding-DNA position 335, G replaced by A.
Protein change: p.Arg112Gln; replaces arginine 112 with glutamine.
Molecular consequence: missense variant.
Genome position (GRCh38, 1-based): chr22:35,403,454, G>A. VCF-style: chr22-35403454-G-A. GRCh37 (hg19) VCF-style: chr22-35799447-G-A.
Other names: c.335G>A (NM_006739.3); short protein forms R112Q.
Identifiers: ClinVar variation 1571810 (VCV001571810.34), dbSNP rs112123125, ClinGen allele CA10204993.
Genomic context (GRCh38, chr22:35,403,454, plus strand): 5'-GTGCCCTTCCCTTTCTCCAGCTGGAGGAAGCTGCCAAGGAGGTAGCTGATGAGGTGACCC[G>A]GCCCCGGCCTTCTGGGGAGGAGGTGCTCCAGGACATCCAGGTCATGCTCAAGTCGGACGC-3'
Protein context (NP_006730.2, residues 102-122): AAKEVADEVT[Arg112Gln]PRPSGEEVLQ

ClinVar aggregate classification (germline): Benign/Likely benign. Review status: criteria provided, multiple submitters, no conflicts (2 of 4 stars). 4 submissions from 4 submitters: Benign (1); Likely benign (2). 1 of the submissions does not count toward it. Last evaluated 2025-12-31.

Conditions:
MCM5-related disorder. Also called: MCM5-related condition.

Allele frequency attached by ClinVar (database versions not stated): 1000 Genomes Project 30x 0.00078; 1000 Genomes Project 0.00100; TOPMed 0.00165; ESP Exome Variant Server 0.00208; gnomAD 0.00216 and 0.00242; gnomAD exomes 0.00227 and 0.00266; ExAC 0.00239.

Submissions (4):

Labcorp Genetics (formerly Invitae), Labcorp
Classification: Benign. Last evaluated: 2025-12-31. Review status: criteria provided, single submitter. Criteria: Invitae Variant Classification Sherloc (09022015). Collection method: clinical testing. Allele origin: germline.

Blueprint Genetics
Classification: Likely benign. Last evaluated: 2024-11-08. Review status: criteria provided, single submitter. Criteria: ACMG Guidelines, 2015. Collection method: clinical testing. Allele origin: germline.

CeGaT Center for Human Genetics Tuebingen
Classification: Likely benign. Last evaluated: 2022-05-01. Review status: criteria provided, single submitter. Criteria: CeGaT Center For Human Genetics Tuebingen Variant Classification Criteria Version 2. Collection method: clinical testing. Allele origin: germline. Affected: yes. Observed: 1 variant allele.
Comment: MCM5: BS2

PreventionGenetics, part of Exact Sciences
Classification: Benign for MCM5-related condition. Last evaluated: 2020-01-14. Review status: no assertion criteria provided. Collection method: clinical testing. Allele origin: germline. Not counted in ClinVar's aggregate classification.
Comment: This variant is classified as benign based on ACMG/AMP sequence variant interpretation guidelines (Richards et al. 2015 PMID: 25741868, with internal and published modifications).